The following is an entry in ClinVar:

ClinVar aggregate classification (germline): Uncertain significance. Review status: criteria provided, multiple submitters, no conflicts (2 of 4 stars). 2 submissions from 2 submitters: Uncertain significance (2). Last evaluated 2025-10-22.

Conditions:
TTN-related disorder. Also called: TTN-related condition; TTN-related disease; TTN-related disorders.
Dilated cardiomyopathy 1G (CMD1G). Identifiers: Orphanet 154, MedGen C1858763, MONDO:0011400, OMIM 604145.
Autosomal recessive limb-girdle muscular dystrophy type 2J (LGMDR10). Also called: Limb-girdle muscular dystrophy, type 2J; MUSCULAR DYSTROPHY, LIMB-GIRDLE, AUTOSOMAL RECESSIVE 10. Identifiers: Orphanet 140922, MedGen C1837342, MONDO:0012127, OMIM 608807.

Submissions (2):

Labcorp Genetics (formerly Invitae), Labcorp
Classification: Uncertain significance for Dilated cardiomyopathy 1G; Autosomal recessive limb-girdle muscular dystrophy type 2J. Last evaluated: 2025-10-22. Review status: criteria provided, single submitter. Criteria: Invitae Variant Classification Sherloc (09022015). Collection method: clinical testing. Allele origin: germline.
Comment: This sequence change replaces leucine, which is neutral and non-polar, with isoleucine, which is neutral and non-polar, at codon 35349 of the TTN protein (p.Leu35349Ile). This variant is not present in population databases (gnomAD no frequency). This variant has not been reported in the literature in individuals affected with TTN-related conditions. ClinVar contains an entry for this variant (Variation ID: 862399). Experimental studies and prediction algorithms are not available or were not evaluated, and the functional significance of this variant is currently unknown. This variant is located in the M band of TTN (PMID: 25589632). Non-truncating variants in this region may be relevant for neuromuscular disorders, but have not been definitively shown to cause cardiomyopathy (PMID: 23975875). In summary, the available evidence is currently insufficient to determine the role of this variant in disease. Therefore, it has been classified as a Variant of Uncertain Significance.

PreventionGenetics, part of Exact Sciences
Classification: Uncertain significance for TTN-related condition. Last evaluated: 2023-03-20. Review status: criteria provided, single submitter. Criteria: ACMG Guidelines, 2015. Collection method: clinical testing. Allele origin: germline.
Comment: The TTN c.106045C>A variant is predicted to result in the amino acid substitution p.Leu35349Ile. To our knowledge, this variant has not been reported in the literature or in a large population database, indicating this variant is rare. At this time, the clinical significance of this variant is uncertain due to the absence of conclusive functional and genetic evidence.

Literature cited by the submitters: PubMed 25589632 (cited by Labcorp Genetics (formerly Invitae), Labcorp); PubMed 23975875 (cited by Labcorp Genetics (formerly Invitae), Labcorp).

NM_001267550.2(TTN):c.106045C>A (p.Leu35349Ile)

Genes: TTN (titin; minus strand), TTN-AS1 (TTN antisense RNA 1; plus strand), LOC129935182 (ATAC-STARR-seq lymphoblastoid active region 16807; plus strand). Cytogenetic location: 2q31.2.
Variant type: single nucleotide variant.
Coding change: c.106045C>A on transcript NM_001267550.2 (MANE Select); coding-DNA position 106045, C replaced by A.
Protein change: p.Leu35349Ile; replaces leucine 35349 with isoleucine.
Molecular consequence: missense variant.
Genome position (GRCh38, 1-based): chr2:178,530,570, G>T on the plus strand (C>A on the coding strand, the complement: TTN is on the minus strand). VCF-style: chr2-178530570-G-T. GRCh37 (hg19) VCF-style: chr2-179395297-G-T.
Other names: c.101122C>A, p.Leu33708Ile (NM_001256850.1); c.78850C>A, p.Leu26284Ile (NM_003319.4); c.98341C>A, p.Leu32781Ile (NM_133378.4); c.79225C>A, p.Leu26409Ile (NM_133432.3); c.79426C>A, p.Leu26476Ile (NM_133437.4); short protein forms L35349I, L26409I, L32781I, L33708I, L26284I, L26476I.
Identifiers: ClinVar variation 862399 (VCV000862399.9), dbSNP rs1220665174, ClinGen allele CA349407153.